The following is an entry in ClinVar:

NM_005186.4(CAPN1):c.415C>T (p.Gln139Ter)

Gene: CAPN1 (calpain 1; plus strand). Cytogenetic location: 11q13.1.
Variant type: single nucleotide variant.
Coding change: c.415C>T on transcript NM_005186.4 (MANE Select); coding-DNA position 415, C replaced by T.
Protein change: p.Gln139Ter; replaces glutamine 139 with a stop codon.
Molecular consequence: nonsense. On other transcripts: non-coding transcript variant (1).
Genome position (GRCh38, 1-based): chr11:65,183,551, C>T. VCF-style: chr11-65183551-C-T. GRCh37 (hg19) VCF-style: chr11-64951022-C-T.
Other names: c.415C>T, p.Gln139Ter (NM_001198868.2, NM_001198869.2); short protein forms Q139*.
Identifiers: ClinVar variation 3389204 (VCV003389204.14).
Genomic context (GRCh38, chr11:65,183,551, plus strand): 5'-GCGGCCATCGCCTCCCTCACTCTCAACGACACCCTCCTGCACCGAGTGGTTCCGCACGGC[C>T]AGAGCTTCCAGAATGGCTATGCCGGCATCTTCCATTTCCAGGTGAGGGCTCCCCTGGGGA-3'

ClinVar aggregate classification (germline): Pathogenic (1 of 4 stars; one submission).

gnomAD v4.1: 2 of 1,613,908 alleles (0.00012%); highest among the groups gnomAD compares: East Asian, 0.0045%; no homozygotes.

Submission:

CeGaT Center for Human Genetics Tuebingen
Classification: Pathogenic. Last evaluated: 2024-11-01. Review status: criteria provided, single submitter. Criteria: CeGaT Center For Human Genetics Tuebingen Variant Classification Criteria Version 2. Collection method: clinical testing. Allele origin: germline. Affected: yes. Observed: 2 variant alleles.
Comment: CAPN1: PVS1, PM2